The following is an entry in ClinVar:

ClinVar aggregate classification (germline): Uncertain significance (1 of 4 stars; one submission).

Conditions:
Inborn genetic diseases. Identifiers: MedGen C0950123, MeSH D030342.

Allele frequency attached by ClinVar (database versions not stated): TOPMed 0.00001.
gnomAD v4.1: 1 of 1,612,816 alleles (0.000062%); no homozygotes.

Submission:

Ambry Genetics
Classification: Uncertain significance for Inborn genetic diseases. Last evaluated: 2016-04-13. Review status: criteria provided, single submitter. Criteria: Ambry Variant Classification Scheme 2023. Collection method: clinical testing. Allele origin: germline.
Comment: The c.*10G>A variant is located in the 3' untranslated region (3&rsquo; UTR) of the SERPING1 gene. This variant results from a G to A substitution 10 nucleotides after the last translated codon. This variant was not reported in population based cohorts in the following databases: Database of Single Nucleotide Polymorphisms (dbSNP), NHLBI Exome Sequencing Project (ESP), and 1000 Genomes Project. In the ESP, this variant was not observed in 6497 samples (12994 alleles) with coverage at this position. This nucleotide position is not well conserved in available vertebrate species. Since supporting evidence is limited at this time, the clinical significance of this variant remains unclear.

NM_000062.3(SERPING1):c.*10G>A

Gene: SERPING1 (serpin family G member 1; plus strand). Cytogenetic location: 11q12.1.
Variant type: single nucleotide variant.
Coding change: c.*10G>A on transcript NM_000062.3 (MANE Select); 10 bases downstream of the stop codon, G replaced by A.
Molecular consequence: 3 prime UTR variant.
Genome position (GRCh38, 1-based): chr11:57,614,591, G>A. VCF-style: chr11-57614591-G-A. GRCh37 (hg19) VCF-style: chr11-57382064-G-A.
Other names: c.*10G>A (NM_001032295.2).
Identifiers: ClinVar variation 1772276 (VCV001772276.2), dbSNP rs1240934870, ClinGen allele CA599665533.
Genomic context (GRCh38, chr11:57,614,591, plus strand): 5'-CAGCACAAGTTCCCTGTCTTCATGGGGCGAGTATATGACCCCAGGGCCTGAGACCTGCAG[G>A]ATCAGGTTAGGGCGAGCGCTACCTCTCCAGCCTCAGCTCTCAGTTGCAGCCCTGCTGCTG-3'